The following is an entry in ClinVar:

NM_020937.4(FANCM):c.1786_1787insTTAC (p.Arg596fs)

Gene: FANCM (FA complementation group M; plus strand). Cytogenetic location: 14q21.2.
Variant type: Insertion.
Coding change: c.1786_1787insTTAC on transcript NM_020937.4 (MANE Select); coding-DNA positions 1786 to 1787, TTAC inserted.
Protein change: p.Arg596fs; shifts the reading frame from arginine 596.
Molecular consequence: frameshift variant.
Genome position: GRCh38 VCF-style: chr14-45164561-A-AACTT. GRCh37 (hg19) VCF-style: chr14-45633764-A-AACTT.
Other names: c.1708_1709insTTAC, p.Arg570fs (NM_001308133.2); c.1786_1787insTTAC, p.Arg596fs (NM_001308134.2); short protein forms R570fs, R596fs.
Identifiers: ClinVar variation 1383333 (VCV001383333.7), dbSNP rs1887832125, ClinGen allele CA2133611848.

ClinVar aggregate classification (germline): Pathogenic (1 of 4 stars; one submission).

Conditions:
Fanconi anemia (FA). Also called: Fanconi's anemia. Identifiers: Orphanet 84, MedGen C0015625, MeSH D005199, MONDO:0019391.

Submission:

Labcorp Genetics (formerly Invitae), Labcorp
Classification: Pathogenic for Fanconi anemia. Last evaluated: 2025-03-17. Review status: criteria provided, single submitter. Criteria: Invitae Variant Classification Sherloc (09022015). Collection method: clinical testing. Allele origin: germline.
Comment: This sequence change creates a premature translational stop signal (p.Arg596Leufs*5) in the FANCM gene. It is expected to result in an absent or disrupted protein product. Loss-of-function variants in FANCM are known to be pathogenic (PMID: 29895858, 30075111). This variant is not present in population databases (gnomAD no frequency). This variant has not been reported in the literature in individuals affected with FANCM-related conditions. ClinVar contains an entry for this variant (Variation ID: 1383333). For these reasons, this variant has been classified as Pathogenic.

Literature cited by the submitters: PubMed 29895858; PubMed 30075111.